The following is an entry in ClinVar:

NM_199420.4(POLQ):c.2639T>G (p.Val880Gly)

Gene: POLQ (DNA polymerase theta; minus strand). Cytogenetic location: 3q13.33.
Variant type: single nucleotide variant.
Coding change: c.2639T>G on transcript NM_199420.4 (MANE Select); coding-DNA position 2639, T replaced by G.
Protein change: p.Val880Gly; replaces valine 880 with glycine.
Molecular consequence: missense variant.
Genome position (GRCh38, 1-based): chr3:121,490,292, A>C on the plus strand (T>G on the coding strand, the complement: POLQ is on the minus strand). VCF-style: chr3-121490292-A-C. GRCh37 (hg19) VCF-style: chr3-121209139-A-C.
Other names: short protein forms V880G.
Identifiers: ClinVar variation 2560560 (VCV002560560.2), dbSNP rs777193084, ClinGen allele CA354105467.

ClinVar aggregate classification (germline): Uncertain significance (1 of 4 stars; one submission).

Submission:

Ambry Genetics
Classification: Uncertain significance. Last evaluated: 2023-03-30. Review status: criteria provided, single submitter. Criteria: Ambry Variant Classification Scheme 2023. Collection method: clinical testing. Allele origin: germline.
Comment: The p.V880G variant (also known as c.2639T>G), located in coding exon 16 of the POLQ gene, results from a T to G substitution at nucleotide position 2639. The valine at codon 880 is replaced by glycine, an amino acid with dissimilar properties. This amino acid position is conserved. In addition, the in silico prediction for this alteration is inconclusive. Since supporting evidence is limited at this time, the clinical significance of this alteration remains unclear.